The following is an entry in ClinVar:

NC_000007.14:g.117479634A>G

Genes: CFTR (CF transmembrane conductance regulator; plus strand), LOC111674463 (CFTR promoter region; plus strand). Cytogenetic location: 7q31.2.
Variant type: single nucleotide variant.
Genome position: GRCh38 VCF-style: chr7-117479634-A-G. GRCh37 (hg19) VCF-style: chr7-117119688-A-G.
Identifiers: ClinVar variation 189027 (VCV000189027.52), dbSNP rs185028612, ClinGen allele CA274286.

ClinVar aggregate classification (germline): Conflicting classifications of pathogenicity. Review status: criteria provided, conflicting classifications (1 of 4 stars). 8 submissions from 8 submitters: Uncertain significance (1); Likely benign (5). 2 of the submissions do not count toward it. Last evaluated 2026-01-01.

Conditions:
CFTR-related disorder (CFTR-RD). Also called: CFTR-related disorders; CFTR-related condition. Identifiers: MedGen C5924204, MONDO:7770004.
Hereditary pancreatitis (PCTT). Also called: Hereditary chronic pancreatitis; PRSS1-Related Hereditary Pancreatitis. Identifiers: Orphanet 676, MedGen C0238339, MONDO:0008185, OMIM 167800.
Cystic fibrosis (CF). Also called: MUCOVISCIDOSIS. Identifiers: Orphanet 586, MedGen C0010674, MONDO:0009061, OMIM 219700. Disease mechanism: loss of function.

Allele frequency attached by ClinVar (database versions not stated): 1000 Genomes Project 30x 0.00109; TOPMed 0.00116; gnomAD exomes 0.00193; gnomAD 0.00200 and 0.00186; 1000 Genomes Project 0.00100.

Submissions (8):

CeGaT Center for Human Genetics Tuebingen
Classification: Likely benign. Last evaluated: 2026-01-01. Review status: criteria provided, single submitter. Criteria: CeGaT Center For Human Genetics Tuebingen Variant Classification Criteria Version 2. Collection method: clinical testing. Allele origin: germline. Affected: yes. Observed: 8 variant alleles.
Comment: CFTR: BS2

Quest Diagnostics Nichols Institute San Juan Capistrano
Classification: Likely benign. Last evaluated: 2025-09-30. Review status: criteria provided, single submitter. Criteria: Quest Diagnostics criteria. Collection method: clinical testing. Allele origin: unknown.

ARUP Laboratories, Molecular Genetics and Genomics, ARUP Laboratories
Classification: Likely benign. Last evaluated: 2025-07-16. Review status: criteria provided, single submitter. Criteria: ARUP Molecular Germline Variant Investigation Process 2024. Collection method: clinical testing. Allele origin: germline.

Labcorp Genetics (formerly Invitae), Labcorp
Classification: Likely benign for Cystic fibrosis. Last evaluated: 2024-05-08. Review status: criteria provided, single submitter. Criteria: Invitae Variant Classification Sherloc (09022015). Collection method: clinical testing. Allele origin: germline.

Sema4
Classification: Likely benign for Hereditary pancreatitis. Last evaluated: 2021-06-04. Review status: criteria provided, single submitter. Criteria: Sema4 Curation Guidelines. Collection method: curation. Allele origin: germline.

Eurofins Ntd Llc (ga)
Classification: Uncertain significance. Last evaluated: 2018-05-17. Review status: criteria provided, single submitter. Criteria: EGL ClinVar v180209 classification definitions. Collection method: clinical testing. Allele origin: germline. Observed: 6 variant alleles, 6 heterozygotes.

PreventionGenetics, part of Exact Sciences
Classification: Likely benign for CFTR-related condition. Last evaluated: 2019-06-04. Review status: no assertion criteria provided. Collection method: clinical testing. Allele origin: germline. Not counted in ClinVar's aggregate classification.
Comment: This variant is classified as likely benign based on ACMG/AMP sequence variant interpretation guidelines (Richards et al. 2015 PMID: 25741868, with internal and published modifications).

Counsyl
Classification: Likely benign for Cystic fibrosis. Last evaluated: 2014-10-24. Review status: no assertion criteria provided. Collection method: literature only. Allele origin: unknown. Inheritance: Autosomal recessive inheritance. Not counted in ClinVar's aggregate classification.

Literature cited by the submitters: PubMed 23470247 (cited by Quest Diagnostics Nichols Institute San Juan Capistrano and Counsyl); PubMed 23810505 (cited by Quest Diagnostics Nichols Institute San Juan Capistrano and Counsyl); PubMed 25900089 (cited by Quest Diagnostics Nichols Institute San Juan Capistrano); PubMed 36409994 (cited by Quest Diagnostics Nichols Institute San Juan Capistrano); PubMed 11788090 (cited by Quest Diagnostics Nichols Institute San Juan Capistrano and Counsyl).